The following is an entry in ClinVar:

ClinVar aggregate classification (germline): Uncertain significance. Review status: criteria provided, single submitter (1 of 4 stars). 2 submissions from 2 submitters: Uncertain significance (1). 1 of the submissions does not count toward it. Last evaluated 2025-10-23.

Conditions:
Inborn genetic diseases. Identifiers: MedGen C0950123, MeSH D030342.
PCSK1-related disorder. Also called: PCSK1-related condition.

Allele frequency attached by ClinVar (database versions not stated): gnomAD 0.00003; gnomAD exomes 0.00002; ExAC 0.00001; TOPMed 0.00006.
gnomAD v4.1: 37 of 1,613,946 alleles (0.0023%); highest among the groups gnomAD compares: Non-Finnish European, 0.0031%; no homozygotes.

Submissions (2):

Ambry Genetics
Classification: Uncertain significance for Inborn genetic diseases. Last evaluated: 2025-10-23. Review status: criteria provided, single submitter. Criteria: Ambry Variant Classification Scheme 2023. Collection method: clinical testing. Allele origin: germline.

PreventionGenetics, part of Exact Sciences
Classification: Uncertain significance for PCSK1-related condition. Last evaluated: 2024-01-29. Review status: no assertion criteria provided. Collection method: clinical testing. Allele origin: germline. Not counted in ClinVar's aggregate classification.
Comment: The PCSK1 c.745A>G variant is predicted to result in the amino acid substitution p.Ile249Val. This variant was observed in a cohort of obese individuals, and in vitro functional studies show inconclusive evidence of loss of function (Supplemental Data Set, Shah et al. 2023, PubMed ID: 36864747). This variant is reported in 0.0054% of alleles in individuals of European (Non-Finnish) descent in gnomAD. At this time, the clinical significance of this variant is uncertain due to the absence of conclusive functional and genetic evidence.

NM_000439.5(PCSK1):c.745A>G (p.Ile249Val)

Genes: CAST (calpastatin; plus strand), PCSK1 (proprotein convertase subtilisin/kexin type 1; minus strand), LOC101929710 (uncharacterized LOC101929710; plus strand). Cytogenetic location: 5q15.
Variant type: single nucleotide variant.
Coding change: c.745A>G on transcript NM_000439.5 (MANE Select); coding-DNA position 745, A replaced by G.
Protein change: p.Ile249Val; replaces isoleucine 249 with valine.
Molecular consequence: missense variant. On other transcripts: intron variant (11).
Genome position (GRCh38, 1-based): chr5:96,412,455, T>C on the plus strand (A>G on the coding strand, the complement: PCSK1 is on the minus strand). VCF-style: chr5-96412455-T-C. GRCh37 (hg19) VCF-style: chr5-95748159-T-C.
Other names: c.604A>G, p.Ile202Val (NM_001177875.2); c.-175+32803T>C (NM_001423254.1, NM_001423259.1, NM_001423255.1 and 6 more transcripts); c.-103+32803T>C (NM_001423253.1); c.-40+32803T>C (NM_001423258.1); short protein forms I202V, I249V.
Identifiers: ClinVar variation 2634335 (VCV002634335.3), dbSNP rs201832233, ClinGen allele CA3350383.